The following is an entry in ClinVar:

NC_000007.14:g.(?_5986753)_(5997429_?)del

Gene: PMS2 (PMS1 homolog 2, mismatch repair system component; minus strand). Cytogenetic location: 7p22.1.
Variant type: Deletion.
Identifiers: ClinVar variation 455095 (VCV000455095.2).

ClinVar aggregate classification (germline): Pathogenic (1 of 4 stars; one submission).

Conditions:
Hereditary nonpolyposis colorectal neoplasms. Identifiers: MedGen C0009405, MeSH D003123.

Submission:

Labcorp Genetics (formerly Invitae), Labcorp
Classification: Pathogenic for Hereditary nonpolyposis colon cancer. Last evaluated: 2019-08-28. Review status: criteria provided, single submitter. Criteria: Invitae Variant Classification Sherloc (09022015). Collection method: clinical testing. Allele origin: germline.
Comment: This variant is an out-of-frame deletion of the genomic region encompassing exons 7-11 of the PMS2 gene. This is expected to create a premature translational stop signal and result in an absent or disrupted protein product. A similar deletion of exon 7-11 has been observed in individual(s) with constitutional mismatch repair deficiency (PMID: 23582141). In at least one individual the data is consistent with the variant being in trans (on the opposite chromosome) from a pathogenic variant. Loss-of-function variants in PMS2 are known to be pathogenic (PMID: 21376568, 24362816). For these reasons, this variant has been classified as Pathogenic.

Literature cited by the submitters: PubMed 23582141.